The following is an entry in ClinVar:

NM_000089.4(COL1A2):c.3277G>T (p.Gly1093Cys)

Gene: COL1A2 (collagen type I alpha 2 chain; plus strand). Cytogenetic location: 7q21.3.
Variant type: single nucleotide variant.
Coding change: c.3277G>T on transcript NM_000089.4 (MANE Select); coding-DNA position 3277, G replaced by T.
Protein change: p.Gly1093Cys; replaces glycine 1093 with cysteine.
Molecular consequence: missense variant.
Genome position (GRCh38, 1-based): chr7:94,427,636, G>T. VCF-style: chr7-94427636-G-T. GRCh37 (hg19) VCF-style: chr7-94056948-G-T.
Other names: short protein forms G1093C.
Identifiers: ClinVar variation 2577428 (VCV002577428.5), dbSNP rs2115959456, ClinGen allele CA368225639.

ClinVar aggregate classification (germline): Pathogenic/Likely pathogenic. Review status: criteria provided, multiple submitters, no conflicts (2 of 4 stars). 3 submissions from 3 submitters: Pathogenic (1); Likely pathogenic (1). 1 of the submissions does not count toward it. Last evaluated 2024-09-22.

Conditions:
COL1A2-related disorder. Also called: COL1A2-related condition; COL1A2-Related Disorders.
Osteogenesis imperfecta type III (OI3). Also called: Progressively Deforming Osteogenesis Imperfecta; Osteogenesis imperfecta type 3; OI type 3; Osteogenesis imperfecta, progressively deforming with normal sclerae; OI type III. Identifiers: Orphanet 216812, Orphanet 666, MedGen C0268362, MONDO:0009804, OMIM 259420.
Ehlers-Danlos syndrome, classic type, 1 (EDSCL1). Also called: EHLERS-DANLOS SYNDROME, GRAVIS TYPE; EHLERS-DANLOS SYNDROME, SEVERE CLASSIC TYPE; Ehlers-Danlos syndrome, type 1; Ehlers-Danlos Syndrome, Classic Type, COL5A1-Related; EDS I. Identifiers: MedGen C0268335, MONDO:0019567, OMIM 130000.
Osteogenesis imperfecta type I (OI1). Also called: OI, TYPE I; OSTEOGENESIS IMPERFECTA TARDA; OSTEOGENESIS IMPERFECTA WITH BLUE SCLERAE; Osteogenesis imperfecta type 1; Classic Non-deforming Osteogenesis Imperfecta with Blue Sclerae; Lobstein's Disease. Identifiers: Orphanet 216796, Orphanet 666, MedGen C0023931, MONDO:0008146, OMIM 166200. Disease mechanism: loss of function.

Submissions (3):

Labcorp Genetics (formerly Invitae), Labcorp
Classification: Pathogenic for Osteogenesis imperfecta type I; Ehlers-Danlos syndrome, classic type, 1. Last evaluated: 2024-09-22. Review status: criteria provided, single submitter. Criteria: Invitae Variant Classification Sherloc (09022015). Collection method: clinical testing. Allele origin: germline.
Comment: This sequence change replaces glycine, which is neutral and non-polar, with cysteine, which is neutral and slightly polar, at codon 1093 of the COL1A2 protein (p.Gly1093Cys). This variant is not present in population databases (gnomAD no frequency). This variant has not been reported in the literature in individuals affected with COL1A2-related conditions. ClinVar contains an entry for this variant (Variation ID: 2577428). Invitae Evidence Modeling of protein sequence and biophysical properties (such as structural, functional, and spatial information, amino acid conservation, physicochemical variation, residue mobility, and thermodynamic stability) indicates that this missense variant is expected to disrupt COL1A2 protein function with a positive predictive value of 95%. This variant disrupts the triple helix domain of COL1A2. Glycine residues within the Gly-Xaa-Yaa repeats of the triple helix domain are required for the structure and stability of fibrillar collagens (PMID: 7695699, 8218237, 19344236). In COL1A2, variants affecting these glycine residues are significantly enriched in individuals with disease (PMID: 9016532, 17078022) compared to the general population (ExAC). This variant disrupts the p.Gly1093 amino acid residue in COL1A2. Other variant(s) that disrupt this residue have been observed in individuals with COL1A2-related conditions (PMID: 25086671, 27509835; internal data), which suggests that this may be a clinically significant amino acid residue. For these reasons, this variant has been classified as Pathogenic.

PreventionGenetics, part of Exact Sciences
Classification: Likely pathogenic for COL1A2-related condition. Last evaluated: 2022-10-24. Review status: criteria provided, single submitter. Criteria: ACMG Guidelines, 2015. Collection method: clinical testing. Allele origin: germline.
Comment: The COL1A2 c.3277G>T variant is predicted to result in the amino acid substitution p.Gly1093Cys. The p.Gly1093Cys amino acid is located in the conserved Gly-Xaa-Yaa triple helical domain where substitutions of a glycine are usually pathogenic (Marini et al. 2007. PubMed ID: 17078022). To our knowledge, this variant has not been reported in the literature or in a large population database, indicating this variant is rare. This variant is interpreted as likely pathogenic.

MVZ Medizinische Genetik Mainz
Classification: Pathogenic for Osteogenesis imperfecta type III. Last evaluated: 2023-07-17. Review status: no assertion criteria provided. Collection method: clinical testing. Allele origin: germline. Inheritance: Autosomal dominant inheritance. Affected: yes. Observed: 1 variant allele. Not counted in ClinVar's aggregate classification.

Literature cited by the submitters: PubMed 7695699 (cited by Labcorp Genetics (formerly Invitae), Labcorp); PubMed 8218237 (cited by Labcorp Genetics (formerly Invitae), Labcorp); PubMed 19344236 (cited by Labcorp Genetics (formerly Invitae), Labcorp); PubMed 9016532 (cited by Labcorp Genetics (formerly Invitae), Labcorp); PubMed 17078022 (cited by Labcorp Genetics (formerly Invitae), Labcorp); PubMed 25086671 (cited by Labcorp Genetics (formerly Invitae), Labcorp); PubMed 27509835 (cited by Labcorp Genetics (formerly Invitae), Labcorp).